The following is an entry in ClinVar:

ClinVar aggregate classification (germline): Likely benign (1 of 4 stars; one submission).

Allele frequency attached by ClinVar (database versions not stated): gnomAD exomes 0.00054 and 0.00172; ExAC 0.00219; gnomAD 0.00551 and 0.00581; TOPMed 0.00609; 1000 Genomes Project 0.00639; 1000 Genomes Project 30x 0.00656; ESP Exome Variant Server 0.00815.
gnomAD v4.1: 1,655 of 1,608,480 alleles (0.1%); highest among the groups gnomAD compares: African/African-American, 1.8%; 16 homozygotes.

Submission:

GeneDx
Classification: Likely benign. Last evaluated: 2018-06-16. Review status: criteria provided, single submitter. Criteria: GeneDx Variant Classification (06012015). Collection method: clinical testing. Allele origin: germline. Affected: yes.
Comment: This variant is considered likely benign or benign based on one or more of the following criteria: it is a conservative change, it occurs at a poorly conserved position in the protein, it is predicted to be benign by multiple in silico algorithms, and/or has population frequency not consistent with disease.

NM_001083961.2(WDR62):c.1959-33C>T

Gene: WDR62 (WD repeat domain 62; plus strand). Cytogenetic location: 19q13.12.
Variant type: single nucleotide variant.
Coding change: c.1959-33C>T on transcript NM_001083961.2 (MANE Select); 33 bases into the intron before coding-DNA position 1959, C replaced by T.
Molecular consequence: intron variant.
Genome position (GRCh38, 1-based): chr19:36,090,412, C>T. VCF-style: chr19-36090412-C-T. GRCh37 (hg19) VCF-style: chr19-36581314-C-T.
Other names: c.1959-33C>T (NM_173636.5).
Identifiers: ClinVar variation 678163 (VCV000678163.1), dbSNP rs116218267, ClinGen allele CA9395795.